The following is an entry in ClinVar:

NM_016038.4(SBDS):c.374A>G (p.Lys125Arg)

Gene: SBDS (SBDS ribosome maturation factor; minus strand). Cytogenetic location: 7q11.21.
Variant type: single nucleotide variant.
Coding change: c.374A>G on transcript NM_016038.4 (MANE Select); coding-DNA position 374, A replaced by G.
Protein change: p.Lys125Arg; replaces lysine 125 with arginine.
Molecular consequence: missense variant.
Genome position (GRCh38, 1-based): chr7:66,993,302, T>C on the plus strand (A>G on the coding strand, the complement: SBDS is on the minus strand). VCF-style: chr7-66993302-T-C. GRCh37 (hg19) VCF-style: chr7-66458289-T-C.
Other names: short protein forms K125R.
Identifiers: ClinVar variation 5029018 (VCV005029018.1).
Genomic context (GRCh38, chr7:66,993,302, plus strand): 5'-TTCACCGAATAGTGGATGTCCTTCATGGCTCTCTCAATAAGGATCACGGTGTATGGTCTC[T>C]TTGTTTCAGGATTCACACATTTGTCTGCCACAATAGTTGCAATGTCCCTAAACATCTGCT-3'
Protein context (NP_057122.2, residues 115-135): VADKCVNPET[Lys125Arg]RPYTVILIER

ClinVar aggregate classification (germline): Uncertain significance (1 of 4 stars; one submission).

Conditions:
Inborn genetic diseases. Identifiers: MedGen C0950123, MeSH D030342.

Submission:

Ambry Genetics
Classification: Uncertain significance for Inborn genetic diseases. Last evaluated: 2026-07-08. Review status: criteria provided, single submitter. Criteria: Ambry Variant Classification Scheme 2023. Collection method: clinical testing. Allele origin: germline.
Comment: The p.K125R variant (also known as c.374A>G), located in coding exon 3 of the SBDS gene, results from an A to G substitution at nucleotide position 374. The lysine at codon 125 is replaced by arginine, an amino acid with highly similar properties. This amino acid position is conserved. In addition, the in silico prediction for this alteration is inconclusive. Based on the available evidence, the clinical significance of this variant remains unclear.